The following is an entry in ClinVar:

NM_001382391.1(CSPP1):c.2162G>T (p.Arg721Leu)

Gene: CSPP1 (centrosome and spindle pole associated protein 1; plus strand). Cytogenetic location: 8q13.2.
Variant type: single nucleotide variant.
Coding change: c.2162G>T on transcript NM_001382391.1 (MANE Select); coding-DNA position 2162, G replaced by T.
Protein change: p.Arg721Leu; replaces arginine 721 with leucine.
Molecular consequence: missense variant.
Genome position (GRCh38, 1-based): chr8:67,154,057, G>T. VCF-style: chr8-67154057-G-T. GRCh37 (hg19) VCF-style: chr8-68066292-G-T.
Other names: c.1112G>T, p.Arg371Leu (NM_001291339.2); c.2081G>T, p.Arg694Leu (NM_001363131.2); c.1967G>T, p.Arg656Leu (NM_001363132.2); c.1886G>T, p.Arg629Leu (NM_001363133.2); c.2228G>T, p.Arg743Leu (NM_001364869.1); c.2048G>T, p.Arg683Leu (NM_001364870.1); c.2147G>T, p.Arg716Leu (NM_024790.7); short protein forms R371L, R629L, R683L, R716L, R721L, R656L, R694L, R743L.
Identifiers: ClinVar variation 1464911 (VCV001464911.6), dbSNP rs201974031, ClinGen allele CA178188043.
Genomic context (GRCh38, chr8:67,154,057, plus strand): 5'-ATGTTTTTGCAAAATATTTCTTTCAAGGTCATATGCAAACACAGAGCTCTCCTTTTGCTC[G>T]GGGAAATGTATTTGGTGAGCCTCCAACTGAACTTCAGATTAAACAGCAAGAATTATACAA-3'
Protein context (NP_001369320.1, residues 711-731): HMQTQSSPFA[Arg721Leu]GNVFGEPPTE

ClinVar aggregate classification (germline): Uncertain significance (1 of 4 stars; one submission).

Conditions:
Joubert syndrome 21 (JBTS21). Identifiers: MedGen C3810212, MONDO:0014288, OMIM 615636.

Submission:

Labcorp Genetics (formerly Invitae), Labcorp
Classification: Uncertain significance for Joubert syndrome 21. Last evaluated: 2024-01-24. Review status: criteria provided, single submitter. Criteria: Invitae Variant Classification Sherloc (09022015). Collection method: clinical testing. Allele origin: germline.
Comment: This sequence change replaces arginine, which is basic and polar, with leucine, which is neutral and non-polar, at codon 716 of the CSPP1 protein (p.Arg716Leu). This variant is not present in population databases (gnomAD no frequency). This variant has not been reported in the literature in individuals affected with CSPP1-related conditions. ClinVar contains an entry for this variant (Variation ID: 1464911). An algorithm developed to predict the effect of missense changes on protein structure and function (PolyPhen-2) suggests that this variant is likely to be disruptive. In summary, the available evidence is currently insufficient to determine the role of this variant in disease. Therefore, it has been classified as a Variant of Uncertain Significance.